The following is an entry in ClinVar:

ClinVar aggregate classification (germline): Uncertain significance (1 of 4 stars; one submission).

Submission:

Labcorp Genetics (formerly Invitae), Labcorp
Classification: Uncertain significance. Last evaluated: 2022-07-12. Review status: criteria provided, single submitter. Criteria: Invitae Variant Classification Sherloc (09022015). Collection method: clinical testing. Allele origin: germline.
Comment: This variant is not present in population databases (gnomAD no frequency). This sequence change creates a premature translational stop signal (p.Leu212*) in the ANGPT1 gene. It is expected to result in an absent or disrupted protein product. However, the current clinical and genetic evidence is not sufficient to establish whether loss-of-function variants in ANGPT1 cause disease. This variant has not been reported in the literature in individuals affected with ANGPT1-related conditions. ClinVar contains an entry for this variant (Variation ID: 1502339). Experimental studies and prediction algorithms are not available or were not evaluated, and the functional significance of this variant is currently unknown. In summary, the available evidence is currently insufficient to determine the role of this variant in disease. Therefore, it has been classified as a Variant of Uncertain Significance.

NM_001146.5(ANGPT1):c.635del (p.Thr211_Leu212insTer)

Gene: ANGPT1 (angiopoietin 1; minus strand). Cytogenetic location: 8q23.1.
Variant type: Deletion.
Coding change: c.635del on transcript NM_001146.5 (MANE Select); coding-DNA position 635, one base deleted (T; older notation c.635delT).
Protein change: p.Thr211_Leu212insTer.
Molecular consequence: nonsense.
Genome position (GRCh38, 1-based): chr8:107,322,069, A deleted on the plus strand (T on the coding strand, the reverse complement: ANGPT1 is on the minus strand); the first of 2 consecutive A bases (chr8:107,322,069-107,322,070); deleting either gives the same sequence. VCF-style (leftmost placement, unchanged base first): chr8-107322068-TA-T. GRCh37 (hg19) VCF-style: chr8-108334296-TA-T.
Other names: c.635del, p.Thr211_Leu212insTer (NM_001199859.3); c.35del, p.Thr11_Leu12insTer (NM_001314051.2).
Identifiers: ClinVar variation 1502339 (VCV001502339.6), dbSNP rs2130063562, ClinGen allele CA2573142779.